The following is an entry in ClinVar:

NM_003504.5(CDC45):c.51+5C>T

Gene: CDC45 (cell division cycle 45; plus strand). Cytogenetic location: 22q11.21.
Variant type: single nucleotide variant.
Coding change: c.51+5C>T on transcript NM_003504.5 (MANE Select); 5 bases into the intron after coding-DNA position 51, C replaced by T.
Molecular consequence: intron variant.
Genome position (GRCh38, 1-based): chr22:19,480,024, C>T. VCF-style: chr22-19480024-C-T. GRCh37 (hg19) VCF-style: chr22-19467547-C-T.
Other names: c.16-134C>T (NM_001369291.1); c.51+5C>T (NM_001178010.2, NM_001178011.2).
Identifiers: ClinVar variation 1922118 (VCV001922118.5), dbSNP rs2517547650, ClinGen allele CA2570235006.

ClinVar aggregate classification (germline): Uncertain significance (1 of 4 stars; one submission).

Allele frequency attached by ClinVar (database versions not stated): gnomAD exomes 0.00001.
gnomAD v4.1: 4 of 1,613,916 alleles (0.00025%); highest among the groups gnomAD compares: Non-Finnish European, 0.00034%; no homozygotes.

Submission:

Labcorp Genetics (formerly Invitae), Labcorp
Classification: Uncertain significance. Last evaluated: 2022-05-04. Review status: criteria provided, single submitter. Criteria: Invitae Variant Classification Sherloc (09022015). Collection method: clinical testing. Allele origin: germline.
Comment: In summary, the available evidence is currently insufficient to determine the role of this variant in disease. Therefore, it has been classified as a Variant of Uncertain Significance. Variants that disrupt the consensus splice site are a relatively common cause of aberrant splicing (PMID: 17576681, 9536098). Algorithms developed to predict the effect of sequence changes on RNA splicing suggest that this variant is not likely to affect RNA splicing. This variant has not been reported in the literature in individuals affected with CDC45-related conditions. This variant is not present in population databases (gnomAD no frequency). This sequence change falls in intron 1 of the CDC45 gene. It does not directly change the encoded amino acid sequence of the CDC45 protein. It affects a nucleotide within the consensus splice site.

Literature cited by the submitters: PubMed 17576681; PubMed 9536098.